The following is an entry in ClinVar:

ClinVar aggregate classification (germline): Uncertain significance (1 of 4 stars; one submission).

Conditions:
Infantile-onset ascending hereditary spastic paralysis (IAHSP). Also called: Infantile-Onset Ascending Hereditary Spastic Paralysis (IAHSP); Autosomal Recessive Juvenile Amyotrophic Lateral Sclerosis. Identifiers: Orphanet 293168, MedGen C2931441, MONDO:0011797, OMIM 607225. Disease mechanism: loss of function.

Allele frequency attached by ClinVar (database versions not stated): gnomAD exomes below 0.00001; ExAC 0.00001.
gnomAD v4.1: 3 of 1,613,606 alleles (0.00019%); highest among the groups gnomAD compares: East Asian, 0.0067%; no homozygotes.

Submission:

Labcorp Genetics (formerly Invitae), Labcorp
Classification: Uncertain significance for Infantile-onset ascending hereditary spastic paralysis. Last evaluated: 2022-08-12. Review status: criteria provided, single submitter. Criteria: Invitae Variant Classification Sherloc (09022015). Collection method: clinical testing. Allele origin: germline.
Comment: This variant has not been reported in the literature in individuals affected with ALS2-related conditions. Algorithms developed to predict the effect of missense changes on protein structure and function are either unavailable or do not agree on the potential impact of this missense change (SIFT: "Deleterious"; PolyPhen-2: "Benign"; Align-GVGD: "Class C15"). In summary, the available evidence is currently insufficient to determine the role of this variant in disease. Therefore, it has been classified as a Variant of Uncertain Significance. This variant is present in population databases (rs770482791, gnomAD 0.01%). This sequence change replaces lysine, which is basic and polar, with glutamic acid, which is acidic and polar, at codon 975 of the ALS2 protein (p.Lys975Glu).

NM_020919.4(ALS2):c.2923A>G (p.Lys975Glu)

Gene: ALS2 (alsin Rho guanine nucleotide exchange factor ALS2; minus strand). Cytogenetic location: 2q33.1.
Variant type: single nucleotide variant.
Coding change: c.2923A>G on transcript NM_020919.4 (MANE Select); coding-DNA position 2923, A replaced by G.
Protein change: p.Lys975Glu; replaces lysine 975 with glutamic acid.
Molecular consequence: missense variant.
Genome position (GRCh38, 1-based): chr2:201,727,268, T>C on the plus strand (A>G on the coding strand, the complement: ALS2 is on the minus strand). VCF-style: chr2-201727268-T-C. GRCh37 (hg19) VCF-style: chr2-202591991-T-C.
Other names: c.2923A>G, p.Lys975Glu (NM_001410975.1); short protein forms K975E.
Identifiers: ClinVar variation 2178425 (VCV002178425.4), dbSNP rs770482791, ClinGen allele CA2058035.